The following is an entry in ClinVar:

NM_000404.4(GLB1):c.2012A>G (p.Asp671Gly)

Gene: GLB1 (galactosidase beta 1; minus strand). Cytogenetic location: 3p22.3.
Variant type: single nucleotide variant.
Coding change: c.2012A>G on transcript NM_000404.4 (MANE Select); coding-DNA position 2012, A replaced by G.
Protein change: p.Asp671Gly; replaces aspartic acid 671 with glycine.
Molecular consequence: missense variant. On other transcripts: intron variant (1).
Genome position (GRCh38, 1-based): chr3:32,997,067, T>C on the plus strand (A>G on the coding strand, the complement: GLB1 is on the minus strand). VCF-style: chr3-32997067-T-C. GRCh37 (hg19) VCF-style: chr3-33038559-T-C.
Other names: c.1922A>G, p.Asp641Gly (NM_001079811.3); c.1619A>G, p.Asp540Gly (NM_001135602.3); c.2156A>G, p.Asp719Gly (NM_001317040.2); c.1734+16989A>G (NM_001393580.1); short protein forms D671G, D540G, D641G, D719G.
Identifiers: ClinVar variation 2188026 (VCV002188026.2), dbSNP rs1696330609, ClinGen allele CA351999872.

ClinVar aggregate classification (germline): Conflicting classifications of pathogenicity. Review status: criteria provided, conflicting classifications (1 of 4 stars). 2 submissions from 2 submitters: Uncertain significance (1); Likely benign (1). Last evaluated 2024-09-20.

Conditions:
Mucopolysaccharidosis, MPS-IV-B (MPS4B). Also called: Mucopolysaccharidosis type IV B; Mucopolysaccharidosis Type IVB; Mucopolysaccharidosis type IVB (Morquio); MPS IVB; MORQUIO SYNDROME B; Mucopolysaccharidosis Type IVB (Morquio B Disease). Identifiers: Orphanet 309310, Orphanet 582, MedGen C0086652, MONDO:0009660, OMIM 253010.
GM1 gangliosidosis. Identifiers: Orphanet 354, MedGen C0085131, MONDO:0018149.
GM1 gangliosidosis type 2. Also called: Gangliosidosis, Generalized GM1, Type 2; Juvenile GM>1< gangliosidosis; GM1-GANGLIOSIDOSIS, TYPE II; GANGLIOSIDOSIS, GENERALIZED GM1, JUVENILE TYPE; GANGLIOSIDOSIS, GENERALIZED GM1, TYPE II. Identifiers: Orphanet 354, Orphanet 79256, MedGen C0268272, MONDO:0009261, OMIM 230600.
GM1 gangliosidosis type 3. Also called: Gangliosidosis, Generalized GM1, Type 3; Beta-galactosidase deficiency; Adult GM1 gangliosidosis; Type 3 (adult) GM1 gangliosidosis; GM1-GANGLIOSIDOSIS, TYPE III; GANGLIOSIDOSIS, GENERALIZED GM1, ADULT TYPE. Identifiers: Orphanet 79257, MedGen C0268273, MONDO:0009262, OMIM 230650.
Infantile GM1 gangliosidosis. Also called: Gangliosidosis, Generalized GM1, Type 1; GM1 gangliosidosis type 1; GM1-gangliosidosis, type I; Gangliosidosis, generalized GM1, infantile form; GLB1 deficiency. Identifiers: Orphanet 354, Orphanet 79255, MedGen C0268271, MONDO:0009260, OMIM 230500.

Allele frequency attached by ClinVar (database versions not stated): TOPMed below 0.00001; gnomAD exomes 0.00001.
gnomAD v4.1: 17 of 1,614,112 alleles (0.0011%); highest among the groups gnomAD compares: Middle Eastern, 0.049%; no homozygotes.

Submissions (2):

3billion
Classification: Likely benign for Infantile GM1 gangliosidosis; GM1 gangliosidosis type 2; GM1 gangliosidosis type 3; Mucopolysaccharidosis, MPS-IV-B. Last evaluated: 2024-09-20. Review status: criteria provided, single submitter. Criteria: ACMG Guidelines, 2015. Collection method: clinical testing. Allele origin: germline. Affected: no.
Comment: The homozygous variant was found in patients diagnosed with another variant in a different gene, with no symptoms related to the gene containing the homozygous variant.

Labcorp Genetics (formerly Invitae), Labcorp
Classification: Uncertain significance for Mucopolysaccharidosis, MPS-IV-B; GM1 gangliosidosis. Last evaluated: 2022-07-19. Review status: criteria provided, single submitter. Criteria: Invitae Variant Classification Sherloc (09022015). Collection method: clinical testing. Allele origin: germline.
Comment: This sequence change replaces aspartic acid, which is acidic and polar, with glycine, which is neutral and non-polar, at codon 671 of the GLB1 protein (p.Asp671Gly). This variant is not present in population databases (gnomAD no frequency). This variant has not been reported in the literature in individuals affected with GLB1-related conditions. Advanced modeling of protein sequence and biophysical properties (such as structural, functional, and spatial information, amino acid conservation, physicochemical variation, residue mobility, and thermodynamic stability) performed at Invitae indicates that this missense variant is not expected to disrupt GLB1 protein function. Algorithms developed to predict the effect of sequence changes on RNA splicing suggest that this variant may create or strengthen a splice site. In summary, the available evidence is currently insufficient to determine the role of this variant in disease. Therefore, it has been classified as a Variant of Uncertain Significance.